The following is an entry in ClinVar:

ClinVar aggregate classification (germline): Pathogenic (1 of 4 stars; one submission).

Conditions:
Facioscapulohumeral muscular dystrophy 2 (FSHD2). Also called: FACIOSCAPULOHUMERAL MUSCULAR DYSTROPHY 2, DIGENIC; FSHD2, DIGENIC; MUSCULAR DYSTROPHY, FACIOSCAPULOHUMERAL, TYPE 1B. Identifiers: Orphanet 269, MedGen C1834671, MONDO:0008031, OMIM 158901.

Submission:

Labcorp Genetics (formerly Invitae), Labcorp
Classification: Pathogenic for Facioscapulohumeral muscular dystrophy 2. Last evaluated: 2025-06-03. Review status: criteria provided, single submitter. Criteria: Invitae Variant Classification Sherloc (09022015). Collection method: clinical testing. Allele origin: germline.
Comment: This sequence change creates a premature translational stop signal (p.Glu212*) in the SMCHD1 gene. It is expected to result in an absent or disrupted protein product. Loss-of-function variants in SMCHD1 are known to be pathogenic (PMID: 23143600). This variant is not present in population databases (gnomAD no frequency). This variant has not been reported in the literature in individuals affected with SMCHD1-related conditions. For these reasons, this variant has been classified as Pathogenic.

Literature cited by the submitters: PubMed 23143600.

NM_015295.3(SMCHD1):c.634G>T (p.Glu212Ter)

Gene: SMCHD1 (structural maintenance of chromosomes flexible hinge domain containing 1; plus strand). Cytogenetic location: 18p11.32.
Variant type: single nucleotide variant.
Coding change: c.634G>T on transcript NM_015295.3 (MANE Select); coding-DNA position 634, G replaced by T.
Protein change: p.Glu212Ter; replaces glutamic acid 212 with a stop codon.
Molecular consequence: nonsense.
Genome position (GRCh38, 1-based): chr18:2,674,141, G>T. VCF-style: chr18-2674141-G-T. GRCh37 (hg19) VCF-style: chr18-2674140-G-T.
Other names: short protein forms E212*.
Identifiers: ClinVar variation 4720268 (VCV004720268.1).